The following is an entry in ClinVar:

ClinVar aggregate classification (germline): Likely benign. Review status: criteria provided, multiple submitters, no conflicts (2 of 4 stars). 3 submissions from 3 submitters: Likely benign (3). Last evaluated 2024-08-07.

Conditions:
LAMA2-related muscular dystrophy (LAMA2-RD). Also called: Laminin alpha 2-related dystrophy. Identifiers: MedGen C5679788, MONDO:0100228.

Allele frequency attached by ClinVar (database versions not stated): gnomAD exomes 0.00001 and 0.00002; ExAC 0.00002; TOPMed 0.00006; gnomAD 0.00007 and 0.00008.
gnomAD v4.1: 18 of 1,613,264 alleles (0.0011%); highest among the groups gnomAD compares: African/African-American, 0.02%; no homozygotes.

Submissions (3):

Labcorp Genetics (formerly Invitae), Labcorp
Classification: Likely benign for LAMA2-related muscular dystrophy. Last evaluated: 2024-08-07. Review status: criteria provided, single submitter. Criteria: Invitae Variant Classification Sherloc (09022015). Collection method: clinical testing. Allele origin: germline.

GeneDx
Classification: Likely benign. Last evaluated: 2018-01-04. Review status: criteria provided, single submitter. Criteria: GeneDx Variant Classification (06012015). Collection method: clinical testing. Allele origin: germline. Affected: yes.
Comment: This variant is considered likely benign or benign based on one or more of the following criteria: it is a conservative change, it occurs at a poorly conserved position in the protein, it is predicted to be benign by multiple in silico algorithms, and/or has population frequency not consistent with disease.

PreventionGenetics, part of Exact Sciences
Classification: Likely benign. Review status: criteria provided, single submitter. Criteria: ACMG Guidelines, 2015. Collection method: clinical testing. Allele origin: germline.

NM_000426.4(LAMA2):c.7452-9A>G

Gene: LAMA2 (laminin subunit alpha 2; plus strand). Cytogenetic location: 6q22.33.
Variant type: single nucleotide variant.
Coding change: c.7452-9A>G on transcript NM_000426.4 (MANE Select); 9 bases into the intron before coding-DNA position 7452, A replaced by G.
Molecular consequence: intron variant.
Genome position (GRCh38, 1-based): chr6:129,478,684, A>G. VCF-style: chr6-129478684-A-G. GRCh37 (hg19) VCF-style: chr6-129799829-A-G.
Other names: c.7440-9A>G (NM_001079823.2).
Identifiers: ClinVar variation 256086 (VCV000256086.10), dbSNP rs748647936, ClinGen allele CA3994576.